The following is an entry in ClinVar:

ClinVar aggregate classification (germline): Likely pathogenic. Review status: criteria provided, multiple submitters, no conflicts (2 of 4 stars). 2 submissions from 2 submitters: Likely pathogenic (2). Last evaluated 2023-10-31.

Conditions:
Intellectual developmental disorder with microcephaly and with or without ocular malformations or hypogonadotropic hypogonadism. Also called: Coffin-Siris Syndrome 9; Intellectual disability, autosomal dominant 27. Identifiers: Orphanet 1465, MedGen C4014528, MONDO:0014376, OMIM 615866.
SOX11-related disorder. Also called: SOX11-related condition.

Submissions (2):

Blueprint Genetics
Classification: Likely pathogenic for SOX11-related disorders. Last evaluated: 2023-10-31. Review status: criteria provided, single submitter. Criteria: ACMG Guidelines, 2015. Collection method: clinical testing. Allele origin: germline. Affected: yes. Observed: 1 variant allele.

SIB Swiss Institute of Bioinformatics
Classification: Likely pathogenic for Intellectual developmental disorder with microcephaly and with or without ocular malformations or hypogonadotropic hypogonadism. Last evaluated: 2023-03-09. Review status: criteria provided, single submitter. Criteria: ACMG Guidelines, 2015. Collection method: curation. Allele origin: unknown.
Comment: This variant is interpreted as likely pathogenic for Intellectual developmental disorder with microcephaly and with or without ocular malformations or hypogonadotropic hypogonadism, autosomal dominant. The following ACMG Tag(s) were applied: Absent from controls (or at extremely low frequency if recessive) in Exome Sequencing Project, 1000 Genomes Project, or Exome Aggregation Consortium (PM2); De novo paternity and maternity not confirmed (PM6); Located in a mutational hot spot and/or critical and well-established functional domain (e.g., active site of an enzyme) without benign variation (PM1); Multiple lines of computational evidence support a deleterious effect on the gene or gene product (PP3).

Literature cited by the submitters: PubMed 35341651 (cited by SIB Swiss Institute of Bioinformatics).

NM_003108.4(SOX11):c.151C>G (p.Arg51Gly)

Gene: SOX11 (SRY-box transcription factor 11; plus strand). Cytogenetic location: 2p25.2.
Variant type: single nucleotide variant.
Coding change: c.151C>G on transcript NM_003108.4 (MANE Select); coding-DNA position 151, C replaced by G.
Protein change: p.Arg51Gly; replaces arginine 51 with glycine.
Molecular consequence: missense variant.
Genome position (GRCh38, 1-based): chr2:5,692,872, C>G. VCF-style: chr2-5692872-C-G. GRCh37 (hg19) VCF-style: chr2-5833004-C-G.
Other names: short protein forms R51G.
Identifiers: ClinVar variation 2443031 (VCV002443031.2), dbSNP rs2103276324, ClinGen allele CA345866050.
Genomic context (GRCh38, chr2:5,692,872, plus strand): 5'-CCGGTGGCCCTGGACGAGAGCGACCCAGACTGGTGCAAGACGGCGTCGGGCCACATCAAG[C>G]GGCCGATGAACGCGTTCATGGTATGGTCCAAGATCGAACGCAGGAAGATCATGGAGCAGT-3'
Protein context (NP_003099.1, residues 41-61): WCKTASGHIK[Arg51Gly]PMNAFMVWSK